The following is an entry in ClinVar:

ClinVar aggregate classification (germline): Likely benign (1 of 4 stars; one submission).

Allele frequency attached by ClinVar (database versions not stated): ExAC 0.00001; gnomAD 0.00001; gnomAD exomes 0.00001 and 0.00002; TOPMed 0.00001; ESP Exome Variant Server 0.00008.
gnomAD v4.1: 13 of 1,610,928 alleles (0.00081%); highest among the groups gnomAD compares: East Asian, 0.0089%; no homozygotes.

Submission:

GeneDx
Classification: Likely benign. Last evaluated: 2017-06-22. Review status: criteria provided, single submitter. Criteria: GeneDx Variant Classification (06012015). Collection method: clinical testing. Allele origin: germline. Affected: yes.
Comment: This variant is considered likely benign or benign based on one or more of the following criteria: it is a conservative change, it occurs at a poorly conserved position in the protein, it is predicted to be benign by multiple in silico algorithms, and/or has population frequency not consistent with disease.

NM_001844.5(COL2A1):c.3274-17G>A

Gene: COL2A1 (collagen type II alpha 1 chain; minus strand). Cytogenetic location: 12q13.11.
Variant type: single nucleotide variant.
Coding change: c.3274-17G>A on transcript NM_001844.5 (MANE Select); 17 bases into the intron before coding-DNA position 3274, G replaced by A.
Molecular consequence: intron variant.
Genome position (GRCh38, 1-based): chr12:47,977,172, C>T on the plus strand (G>A on the coding strand, the complement: COL2A1 is on the minus strand). VCF-style: chr12-47977172-C-T. GRCh37 (hg19) VCF-style: chr12-48370955-C-T.
Other names: c.3067-17G>A (NM_033150.3).
Identifiers: ClinVar variation 518101 (VCV000518101.1), dbSNP rs376108759, ClinGen allele CA6534802.
Genomic context (GRCh38, chr12:47,977,172, plus strand): 5'-CGGGCTCCAGCTGGTCCTGAGGGTCCCATGGGGCCTTGTGCACCCTGAGGAGAGAGTGAG[C>T]GCAGCGTCAGAGAAAAGCCAGGACAGGTGGGGGCCTCCTCTGCATCTGAGGCCACTGCTC-3'